The following is an entry in ClinVar:

ClinVar aggregate classification (germline): Uncertain significance (1 of 4 stars; one submission).

Conditions:
CDKN2A-related disorder. Also called: CDKN2A-related condition.

Submission:

PreventionGenetics, part of Exact Sciences
Classification: Uncertain significance for CDKN2A-related condition. Last evaluated: 2025-07-20. Review status: criteria provided, single submitter. Criteria: ACMG Guidelines, 2015. Collection method: clinical testing. Allele origin: germline.
Comment: The CDKN2A c.469A>C variant is predicted to result in the amino acid substitution p.Asn157His. To our knowledge, this variant has not been reported in the literature or in a large population database (gnomAD), indicating this variant is rare. At the time of reporting this variant was not present in ClinVar. At this time, the clinical significance of this variant is uncertain due to the absence of conclusive functional and genetic evidence.

NM_000077.5(CDKN2A):c.458-518A>C

Gene: CDKN2A (cyclin dependent kinase inhibitor 2A; minus strand). Cytogenetic location: 9p21.3.
Variant type: single nucleotide variant.
Coding change: c.458-518A>C on transcript NM_000077.5 (MANE Select); 518 bases into the intron before coding-DNA position 458, A replaced by C.
Molecular consequence: intron variant. On other transcripts: missense variant (1).
Genome position (GRCh38, 1-based): chr9:21,968,760, T>G on the plus strand (A>C on the coding strand, the complement: CDKN2A is on the minus strand). VCF-style: chr9-21968760-T-G. GRCh37 (hg19) VCF-style: chr9-21968759-T-G.
Other names: c.*381-518A>C (NM_058197.5); c.469A>C, p.Asn157His (NM_001195132.2); c.305-518A>C (NM_001363763.2); c.*102-518A>C (NM_058195.4); short protein forms N157H.
Identifiers: ClinVar variation 4997987 (VCV004997987.1).
Genomic context (GRCh38, chr9:21,968,760, plus strand): 5'-TCCTCGGCGGAATCCCGTAGCTTCCCTACGCATGCCTGCTTCTACAAACCCACAAATGGT[T>G]TCCGATCATTTCTGAAACAAAATGGATGCTCATTTATTCATGTGCTCTGGCTTCTGCCTT-3'